The following is an entry in ClinVar:

ClinVar aggregate classification (germline): Uncertain significance (1 of 4 stars; one submission).

Conditions:
Thrombomodulin-related bleeding disorder (THPH12). Also called: Thrombophilia due to thrombomodulin defect. Identifiers: Orphanet 436169, MedGen C3280976, MONDO:0013775, OMIM 614486.

Submission:

Genomenon, Inc
Classification: Uncertain significance for Thrombomodulin-related bleeding disorder. Last evaluated: 2025-09-22. Review status: criteria provided, single submitter. Criteria: Genomenon Sequence Variant Interpretation Standards - Updated. Collection method: curation. Allele origin: germline. Affected: no.
Comment: THBD p.Asp418Ala (c.1253A>C) is a missense variant that changes the amino acid at residue 418 from Aspartic acid to Alanine. This variant has been reported in the published literature (PMID:8381415). It is absent or not present at a significant frequency in gnomAD. In conclusion, we classify THBD p.Asp418Ala (c.1253A>C) as a variant of unknown significance.

Literature cited by the submitters: PubMed 8381415.

NM_000361.3(THBD):c.1253A>C (p.Asp418Ala)

Gene: THBD (thrombomodulin; minus strand). Cytogenetic location: 20p11.21.
Variant type: single nucleotide variant.
Coding change: c.1253A>C on transcript NM_000361.3 (MANE Select); coding-DNA position 1253, A replaced by C.
Protein change: p.Asp418Ala; replaces aspartic acid 418 with alanine.
Molecular consequence: missense variant.
Genome position (GRCh38, 1-based): chr20:23,048,252, T>G on the plus strand (A>C on the coding strand, the complement: THBD is on the minus strand). VCF-style: chr20-23048252-T-G. GRCh37 (hg19) VCF-style: chr20-23028889-T-G.
Other names: short protein forms D418A.
Identifiers: ClinVar variation 4280430 (VCV004280430.1).